The following is an entry in ClinVar:

NM_004985.5(KRAS):c.388_389delinsAT (p.Ala130Ile)

Gene: KRAS (KRas proto-oncogene, GTPase; minus strand). Cytogenetic location: 12p12.1.
Variant type: Indel.
Coding change: c.388_389delinsAT on transcript NM_004985.5 (MANE Select); coding-DNA positions 388 to 389, GC replaced by AT.
Protein change: p.Ala130Ile; replaces alanine 130 with isoleucine.
Molecular consequence: missense variant.
Genome position (GRCh38, 1-based): chr12:25,225,675-25,225,676, GC replaced by AT on the plus strand (GC replaced by AT on the coding strand, the reverse complement: KRAS is on the minus strand). VCF-style: chr12-25225675-GC-AT. GRCh37 (hg19) VCF-style: chr12-25378609-GC-AT.
Other names: c.388_389delinsAT, p.Ala130Ile (NM_001369786.1, NM_001369787.1, NM_033360.4); short protein forms A130I.
Identifiers: ClinVar variation 1046139 (VCV001046139.9), dbSNP rs1951383854, ClinGen allele CA2022906154.

ClinVar aggregate classification (germline): Uncertain significance. Review status: criteria provided, multiple submitters, no conflicts (2 of 4 stars). 2 submissions from 2 submitters: Uncertain significance (2). Last evaluated 2024-01-22.

Conditions:
RASopathy. Also called: Noonan spectrum disorder; rasopathies. Identifiers: Orphanet 536391, MedGen C5555857, MONDO:0021060.
Lung cancer. Also called: Malignant tumor of lung; Lung cancer, somatic. Identifiers: MedGen C0242379, MONDO:0008903, OMIM 211980.
Familial cancer of breast. Also called: Hereditary breast cancer; BREAST CANCER, FAMILIAL; hereditary breast carcinoma. Identifiers: Orphanet 227535, MedGen C0346153, MONDO:0016419, OMIM 114480. Disease mechanism: loss of function.
Linear nevus sebaceous syndrome. Also called: Linear sebaceous nevus sequence; JADASSOHN NEVUS PHAKOMATOSIS; NEVUS SEBACEUS OF JADASSOHN; ORGANOID NEVUS PHAKOMATOSIS; SFM SYNDROME; Sebaceous nevus syndrome and hemimegalencephaly. Identifiers: Orphanet 2612, MedGen C4552097, MONDO:0008097, OMIM 163200, HP:0010817.
Toriello-Lacassie-Droste syndrome. Identifiers: Orphanet 3339, MedGen C1838329, MONDO:0010854, OMIM 600268.
Cerebral arteriovenous malformation (BAVM). Also called: Arteriovenous malformations of the brain; CEREBRAL ARTERIOVENOUS MALFORMATIONS. Identifiers: Orphanet 46724, MedGen C0917804, MONDO:0007154, OMIM 108010, HP:0002408.
Malignant tumor of urinary bladder. Also called: Bladder cancer; Urinary bladder cancer; Urinary Bladder Neoplasms. Identifiers: MedGen C0005684, MONDO:0001187, OMIM 109800.
Autoimmune lymphoproliferative syndrome type 4. Also called: RAS-associated autoimmune leukoproliferative disorder; AUTOIMMUNE LYMPHOPROLIFERATIVE SYNDROME, TYPE IV. Identifiers: Orphanet 268114, MedGen C2674723, MONDO:0013767, OMIM 614470.
Cardiofaciocutaneous syndrome 2 (CFC2). Also called: KRAS-Related Cardiofaciocutaneous Syndrome. Identifiers: Orphanet 1340, MedGen C3809005, MONDO:0014112, OMIM 615278.
Familial pancreatic carcinoma. Identifiers: Orphanet 1333, MedGen C2931038, MONDO:0015278, OMIM 260350.
Acute myeloid leukemia (AML). Also called: Acute myeloid leukemia, adult; AML adult; Acute non-lymphocytic leukemia; Acute granulocytic leukemia; Leukemia, acute myelogenous, somatic; Leukemia, acute myeloid, somatic. Identifiers: Orphanet 519, MedGen C0023467, MeSH D015470, MONDO:0018874, OMIM 601626, HP:0004808. Disease mechanism: Constitutively activated FLT3.
Noonan syndrome 3 (NS3). Also called: KRAS-Related Noonan Syndrome. Identifiers: Orphanet 648, MedGen C1860991, MONDO:0012371, OMIM 609942.
Gastric cancer. Also called: Stomach cancer; Malignant tumor of stomach. Identifiers: MedGen C0024623, MeSH D013274, MONDO:0001056, OMIM 613659, HP:0012126.

Submissions (2):

Fulgent Genetics
Classification: Uncertain significance for Cerebral arteriovenous malformation; Malignant tumor of urinary bladder; Familial cancer of breast; Linear nevus sebaceous syndrome; Lung cancer; Familial pancreatic carcinoma; Toriello-Lacassie-Droste syndrome; Acute myeloid leukemia; Noonan syndrome 3; Gastric cancer; Autoimmune lymphoproliferative syndrome type 4; Cardiofaciocutaneous syndrome 2. Last evaluated: 2024-01-22. Review status: criteria provided, single submitter. Criteria: ACMG Guidelines, 2015. Collection method: clinical testing. Allele origin: germline.

Labcorp Genetics (formerly Invitae), Labcorp
Classification: Uncertain significance for RASopathy. Last evaluated: 2021-02-24. Review status: criteria provided, single submitter. Criteria: Invitae Variant Classification Sherloc (09022015). Collection method: clinical testing. Allele origin: germline.
Comment: This sequence change replaces alanine with isoleucine at codon 130 of the KRAS protein (p.Ala130Ile). The alanine residue is highly conserved and there is a moderate physicochemical difference between alanine and isoleucine. The frequency data for this variant in the population databases is not available, as this variant may be reported as separate entries in the ExAC database. This variant has not been reported in the literature in individuals with KRAS-related conditions. Algorithms developed to predict the effect of missense changes on protein structure and function are either unavailable or do not agree on the potential impact of this missense change (SIFT: "Not Available"; PolyPhen-2: "Benign"; Align-GVGD: "Not Available"). In summary, the available evidence is currently insufficient to determine the role of this variant in disease. Therefore, it has been classified as a Variant of Uncertain Significance.